The following is an entry in ClinVar:

ClinVar aggregate classification (germline): Uncertain significance (1 of 4 stars; one submission).

Conditions:
Congenital myasthenic syndrome 8. Also called: MYASTHENIC SYNDROME, CONGENITAL, DUE TO AGRIN DEFICIENCY; Myasthenic syndrome, congenital, 8, with pre- and postsynaptic defects. Identifiers: Orphanet 590, MedGen C3808739, MONDO:0014052, OMIM 615120.

gnomAD v4.1: 2 of 1,610,854 alleles (0.00012%); highest among the groups gnomAD compares: Admixed American, 0.0017%; no homozygotes.

Submission:

Labcorp Genetics (formerly Invitae), Labcorp
Classification: Uncertain significance for Congenital myasthenic syndrome 8. Last evaluated: 2022-10-04. Review status: criteria provided, single submitter. Criteria: Invitae Variant Classification Sherloc (09022015). Collection method: clinical testing. Allele origin: germline.
Comment: In summary, the available evidence is currently insufficient to determine the role of this variant in disease. Therefore, it has been classified as a Variant of Uncertain Significance. Algorithms developed to predict the effect of missense changes on protein structure and function are either unavailable or do not agree on the potential impact of this missense change (SIFT: "Tolerated"; PolyPhen-2: "Probably Damaging"; Align-GVGD: "Class C0"). This variant has not been reported in the literature in individuals affected with AGRN-related conditions. This variant is not present in population databases (gnomAD no frequency). This sequence change replaces alanine, which is neutral and non-polar, with glutamic acid, which is acidic and polar, at codon 889 of the AGRN protein (p.Ala889Glu).

NM_198576.4(AGRN):c.2666C>A (p.Ala889Glu)

Gene: AGRN (agrin; plus strand). Cytogenetic location: 1p36.33.
Variant type: single nucleotide variant.
Coding change: c.2666C>A on transcript NM_198576.4 (MANE Select); coding-DNA position 2666, C replaced by A.
Protein change: p.Ala889Glu; replaces alanine 889 with glutamic acid.
Molecular consequence: missense variant.
Genome position (GRCh38, 1-based): chr1:1,045,862, C>A. VCF-style: chr1-1045862-C-A. GRCh37 (hg19) VCF-style: chr1-981242-C-A.
Other names: c.2666C>A, p.Ala889Glu (NM_001305275.2); c.2351C>A, p.Ala784Glu (NM_001364727.2); short protein forms A784E, A889E.
Identifiers: ClinVar variation 2115056 (VCV002115056.2), dbSNP rs532395667, ClinGen allele CA16757273.
Genomic context (GRCh38, chr1:1,045,862, plus strand): 5'-AGCCCGGGGTGGCTGGACCCAAGTGTGGGCAGTGTCCAGACGGCCGTGCCCTGGGCCCCG[C>A]GGGCTGTGAAGCTGGTGAGTGAGGGCCAGCGCTACCCTGGGGCTTCATGGGGTGGGGTGG-3'
Protein context (NP_940978.2, residues 879-899): QCPDGRALGP[Ala889Glu]GCEADASAPA